The following is an entry in ClinVar:

NM_213649.2(SFXN4):c.538-271A>G

Gene: SFXN4 (sideroflexin 4; minus strand). Cytogenetic location: 10q26.11.
Variant type: single nucleotide variant.
Coding change: c.538-271A>G on transcript NM_213649.2 (MANE Select); 271 bases into the intron before coding-DNA position 538, A replaced by G.
Molecular consequence: intron variant.
Genome position (GRCh38, 1-based): chr10:119,157,027, T>C on the plus strand (A>G on the coding strand, the complement: SFXN4 is on the minus strand). VCF-style: chr10-119157027-T-C. GRCh37 (hg19) VCF-style: chr10-120916539-T-C.
Identifiers: ClinVar variation 683829 (VCV000683829.1), dbSNP rs3818794, ClinGen allele CA214180393.
Genomic context (GRCh38, chr10:119,157,027, plus strand): 5'-TGTTGAGAGTCACAGAGCCATTAAAGGTTTGAGCCAGGATGAGGGCCCAGGCTTGTCTGA[T>C]GCCAACATCTCCCCATCTTTCACCATTACAGTGTCTTGACATCCAAAGCAATACACAAAT-3'

ClinVar aggregate classification (germline): Benign (1 of 4 stars; one submission).

Allele frequency attached by ClinVar (database versions not stated): 1000 Genomes Project 0.51078; TOPMed 0.48815; 1000 Genomes Project 30x 0.50687.
gnomAD v4.1: 73,514 of 152,058 alleles (48%); highest among the groups gnomAD compares: East Asian, 72%; 18,058 homozygotes.

Submission:

GeneDx
Classification: Benign. Last evaluated: 2018-06-14. Review status: criteria provided, single submitter. Criteria: GeneDx Variant Classification (06012015). Collection method: clinical testing. Allele origin: germline. Affected: yes.
Comment: This variant is considered likely benign or benign based on one or more of the following criteria: it is a conservative change, it occurs at a poorly conserved position in the protein, it is predicted to be benign by multiple in silico algorithms, and/or has population frequency not consistent with disease.